The following is an entry in ClinVar:

ClinVar aggregate classification (germline): Likely benign (1 of 4 stars; one submission).

gnomAD v4.1: 7 of 1,613,144 alleles (0.00043%); highest among the groups gnomAD compares: Non-Finnish European, 0.00059%; no homozygotes.

Submission:

CeGaT Center for Human Genetics Tuebingen
Classification: Likely benign. Last evaluated: 2024-12-01. Review status: criteria provided, single submitter. Criteria: CeGaT Center For Human Genetics Tuebingen Variant Classification Criteria Version 2. Collection method: clinical testing. Allele origin: germline. Affected: yes. Observed: 1 variant allele.
Comment: NFIA: BP4, BP7

NM_001134673.4(NFIA):c.165C>G (p.Ala55=)

Gene: NFIA (nuclear factor I A; plus strand). Cytogenetic location: 1p31.3.
Variant type: single nucleotide variant.
Coding change: c.165C>G on transcript NM_001134673.4 (MANE Select); coding-DNA position 165, C replaced by G.
Protein change: p.Ala55=; no amino-acid change (alanine 55 retained).
Molecular consequence: synonymous variant.
Genome position (GRCh38, 1-based): chr1:61,088,286, C>G. VCF-style: chr1-61088286-C-G. GRCh37 (hg19) VCF-style: chr1-61553958-C-G.
Other names: c.141C>G, p.Ala47= (NM_001145511.2); c.300C>G, p.Ala100= (NM_001145512.2); c.165C>G, p.Ala55= (NM_005595.5).
Identifiers: ClinVar variation 3771637 (VCV003771637.13).